The following is an entry in ClinVar:

ClinVar aggregate classification (germline): Uncertain significance (1 of 4 stars; one submission).

Allele frequency attached by ClinVar (database versions not stated): ExAC 0.00002; gnomAD 0.00002; gnomAD exomes 0.00002; TOPMed 0.00004; ESP Exome Variant Server 0.00008.
gnomAD v4.1: 35 of 1,589,290 alleles (0.0022%); highest among the groups gnomAD compares: Admixed American, 0.011%; no homozygotes.

Submission:

Labcorp Genetics (formerly Invitae), Labcorp
Classification: Uncertain significance. Last evaluated: 2025-09-24. Review status: criteria provided, single submitter. Criteria: Invitae Variant Classification Sherloc (09022015). Collection method: clinical testing. Allele origin: germline.
Comment: This sequence change falls in intron 12 of the MECOM gene. It does not directly change the encoded amino acid sequence of the MECOM protein. It affects a nucleotide within the consensus splice site. This variant is present in population databases (rs369936185, gnomAD 0.01%). This variant has not been reported in the literature in individuals affected with MECOM-related conditions. ClinVar contains an entry for this variant (Variation ID: 1933644). Variants that disrupt the consensus splice site are a relatively common cause of aberrant splicing (PMID: 17576681, 9536098). Algorithms developed to predict the effect of sequence changes on RNA splicing suggest that this variant is not likely to affect RNA splicing. In summary, the available evidence is currently insufficient to determine the role of this variant in disease. Therefore, it has been classified as a Variant of Uncertain Significance.

Literature cited by the submitters: PubMed 17576681; PubMed 9536098.

NM_004991.4(MECOM):c.3019+4C>T

Gene: MECOM (MDS1 and EVI1 complex locus; minus strand). Cytogenetic location: 3q26.2.
Variant type: single nucleotide variant.
Coding change: c.3019+4C>T on transcript NM_004991.4 (MANE Select); 4 bases into the intron after coding-DNA position 3019, C replaced by T.
Molecular consequence: intron variant.
Genome position (GRCh38, 1-based): chr3:169,095,072, G>A on the plus strand (C>T on the coding strand, the complement: MECOM is on the minus strand). VCF-style: chr3-169095072-G-A. GRCh37 (hg19) VCF-style: chr3-168812860-G-A.
Other names: c.2455+4C>T (NM_001205194.2, NM_001366469.2, NM_001105078.4 and 1 more transcripts); c.2020+4C>T (NM_001366473.2); c.2992+4C>T (NM_001366466.2); c.1456+4C>T (NM_001366474.2); c.2428+4C>T (NM_001164000.2, NM_001366471.2, NM_001366472.2); c.2431+4C>T (NM_001366470.2, NM_001163999.2); c.2458+4C>T (NM_001366467.2, NM_001366468.2); c.2650+4C>T (NM_001105077.4).
Identifiers: ClinVar variation 1933644 (VCV001933644.5), dbSNP rs369936185, ClinGen allele CA2696013.